The following is an entry in ClinVar:

ClinVar aggregate classification (germline): Uncertain significance (1 of 4 stars; one submission).

Conditions:
Malignant hyperthermia, susceptibility to, 1 (MHS1). Also called: RYR1-Related Malignant Hyperthermia Susceptibility; Malignant hyperthermia suceptibility 1; Anesthesia related hyperthermia; Malignant hyperpyrexia; Fulminating hyperpyrexia; Pharmacogenic myopathy. Identifiers: Orphanet 423, MedGen C2930980, MONDO:0007783, OMIM 145600.

Submission:

Color Diagnostics, LLC DBA Color Health
Classification: Uncertain significance for Malignant hyperthermia, susceptibility to, 1. Last evaluated: 2025-06-23. Review status: criteria provided, single submitter. Criteria: ACMG Guidelines, 2015. Collection method: clinical testing. Allele origin: germline.
Comment: This missense variant replaces glutamic acid with glycine at codon 1920 of the RYR1 protein. To our knowledge, functional studies have not been reported for this variant. This variant has not been reported in individuals affected with RYR1-related disorders in the literature. This variant has not been identified in the general population by the Genome Aggregation Database (gnomAD). The available evidence is insufficient to determine the role of this variant in disease conclusively. Therefore, this variant is classified as a Variant of Uncertain Significance.

NM_000540.3(RYR1):c.5759_5760delinsGC (p.Glu1920Gly)

Gene: RYR1 (ryanodine receptor 1; plus strand). Cytogenetic location: 19q13.2.
Variant type: Indel.
Coding change: c.5759_5760delinsGC on transcript NM_000540.3 (MANE Select); coding-DNA positions 5759 to 5760, AA replaced by GC.
Protein change: p.Glu1920Gly; replaces glutamic acid 1920 with glycine.
Molecular consequence: missense variant.
Genome position (GRCh38, 1-based): chr19:38,489,388-38,489,389, AA replaced by GC. VCF-style: chr19-38489388-AA-GC. GRCh37 (hg19) VCF-style: chr19-38980028-AA-GC.
Other names: c.5759_5760delinsGC, p.Glu1920Gly (NM_001042723.2); short protein forms E1920G.
Identifiers: ClinVar variation 4757315 (VCV004757315.1).